The following is an entry in ClinVar:

ClinVar aggregate classification (germline): Likely benign (0 of 4 stars; one submission).

Conditions:
STARD9-related disorder. Also called: STARD9-related condition.

gnomAD v4.1: 2 of 1,537,036 alleles (0.00013%); no homozygotes.

Submission:

PreventionGenetics, part of Exact Sciences
Classification: Likely benign for STARD9-related condition. Last evaluated: 2019-03-08. Review status: no assertion criteria provided. Collection method: clinical testing. Allele origin: germline.
Comment: This variant is classified as likely benign based on ACMG/AMP sequence variant interpretation guidelines (Richards et al. 2015 PMID: 25741868, with internal and published modifications).

NM_020759.3(STARD9):c.1197T>C (p.Ile399=)

Gene: STARD9 (StAR related lipid transfer domain containing 9; plus strand). Cytogenetic location: 15q15.2.
Variant type: single nucleotide variant.
Coding change: c.1197T>C on transcript NM_020759.3 (MANE Select); coding-DNA position 1197, T replaced by C.
Protein change: p.Ile399=; no amino-acid change (isoleucine 399 retained).
Molecular consequence: synonymous variant.
Genome position (GRCh38, 1-based): chr15:42,665,273, T>C. VCF-style: chr15-42665273-T-C. GRCh37 (hg19) VCF-style: chr15-42957471-T-C.
Identifiers: ClinVar variation 3352955 (VCV003352955.1).